The following is an entry in ClinVar:

ClinVar aggregate classification (germline): Likely benign (0 of 4 stars; one submission).

Conditions:
PLXNA1-related disorder. Also called: PLXNA1-related condition.

Allele frequency attached by ClinVar (database versions not stated): gnomAD 0.00005; TOPMed 0.00005; ExAC 0.00006; gnomAD exomes 0.00006; ESP Exome Variant Server 0.00008.
gnomAD v4.1: 86 of 1,613,272 alleles (0.0053%); highest among the groups gnomAD compares: Middle Eastern, 0.016%; no homozygotes.

Submission:

PreventionGenetics, part of Exact Sciences
Classification: Likely benign for PLXNA1-related condition. Last evaluated: 2023-03-13. Review status: no assertion criteria provided. Collection method: clinical testing. Allele origin: germline.
Comment: This variant is classified as likely benign based on ACMG/AMP sequence variant interpretation guidelines (Richards et al. 2015 PMID: 25741868, with internal and published modifications).

NM_032242.4(PLXNA1):c.558C>T (p.Phe186=)

Gene: PLXNA1 (plexin A1; plus strand). Cytogenetic location: 3q21.3.
Variant type: single nucleotide variant.
Coding change: c.558C>T on transcript NM_032242.4 (MANE Select); coding-DNA position 558, C replaced by T.
Protein change: p.Phe186=; no amino-acid change (phenylalanine 186 retained).
Molecular consequence: synonymous variant.
Genome position (GRCh38, 1-based): chr3:126,989,151, C>T. VCF-style: chr3-126989151-C-T. GRCh37 (hg19) VCF-style: chr3-126707994-C-T.
Identifiers: ClinVar variation 3052309 (VCV003052309.2), dbSNP rs367854425, ClinGen allele CA2592997.
Genomic context (GRCh38, chr3:126,989,151, plus strand): 5'-AGGCAGCATGGCGGGCGTGCTCATTGCCGGGCCACCGGGCCAGGGCCAGGCCAAGCTCTT[C>T]GTGGGCACACCCATCGATGGCAAGTCCGAGTACTTCCCCACACTGTCCAGCCGTCGGCTC-3'
Protein context (NP_115618.3, residues 176-196): GPPGQGQAKL[Phe186=]VGTPIDGKSE